The following is an entry in ClinVar:

NM_001999.4(FBN2):c.7711+257G>A

Gene: FBN2 (fibrillin 2; minus strand). Cytogenetic location: 5q23.3.
Variant type: single nucleotide variant.
Coding change: c.7711+257G>A on transcript NM_001999.4 (MANE Select); 257 bases into the intron after coding-DNA position 7711, G replaced by A.
Molecular consequence: intron variant.
Genome position (GRCh38, 1-based): chr5:128,274,310, C>T on the plus strand (G>A on the coding strand, the complement: FBN2 is on the minus strand). VCF-style: chr5-128274310-C-T. GRCh37 (hg19) VCF-style: chr5-127610002-C-T.
Identifiers: ClinVar variation 683537 (VCV000683537.1), dbSNP rs2307108, ClinGen allele CA15388169.

ClinVar aggregate classification (germline): Benign (1 of 4 stars; one submission).

Allele frequency attached by ClinVar (database versions not stated): 1000 Genomes Project 0.55172; 1000 Genomes Project 30x 0.55590; gnomAD 0.59112 and 0.59676; TOPMed 0.59570.
gnomAD v4.1: 89,709 of 151,890 alleles (59%); highest among the groups gnomAD compares: African/African-American, 68%; 26,847 homozygotes.

Submission:

GeneDx
Classification: Benign. Last evaluated: 2018-06-18. Review status: criteria provided, single submitter. Criteria: GeneDx Variant Classification (06012015). Collection method: clinical testing. Allele origin: germline. Affected: yes.
Comment: This variant is considered likely benign or benign based on one or more of the following criteria: it is a conservative change, it occurs at a poorly conserved position in the protein, it is predicted to be benign by multiple in silico algorithms, and/or has population frequency not consistent with disease.